The following is an entry in ClinVar:

NM_032383.5(HPS3):c.2533del (p.Ile845fs)

Genes: CP (ceruloplasmin; minus strand), HPS3 (HPS3 biogenesis of lysosomal organelles complex 2 subunit 1; plus strand). Cytogenetic location: 3q24.
Variant type: Deletion.
Coding change: c.2533del on transcript NM_032383.5 (MANE Select); coding-DNA position 2533, one base deleted (A; older notation c.2533delA).
Protein change: p.Ile845fs; shifts the reading frame from isoleucine 845.
Molecular consequence: frameshift variant.
Genome position (GRCh38, 1-based): chr3:149,163,893, A deleted; the last of 2 consecutive A bases (chr3:149,163,892-149,163,893); deleting either gives the same sequence. VCF-style (leftmost placement, unchanged base first): chr3-149163891-TA-T. GRCh37 (hg19) VCF-style: chr3-148881678-TA-T.
Other names: c.2038del, p.Ile680fs (NM_001308258.2); short protein forms I680fs, I845fs.
Identifiers: ClinVar variation 5012695 (VCV005012695.1).
Genomic context (GRCh38, chr3:149,163,891, plus strand): 5'-TTATGTTTTAGATAAATGCCTGTAGTCATTATGGCTTAATTTATCCATGGGTTCACGTCG[TA>T]ATATCATCTGATTCTTTAGCTGATAAAAATTATACAGAAGATCTTTCAAAATTACAGGTA-3'

ClinVar aggregate classification (germline): Pathogenic (1 of 4 stars; one submission).

Conditions:
Hermansky-Pudlak syndrome 3 (HPS3). Identifiers: Orphanet 231512, Orphanet 79430, MedGen C3888001, MONDO:0013555, OMIM 614072.

Submission:

Myriad Genetics, Inc.
Classification: Pathogenic for Hermansky-Pudlak syndrome 3. Last evaluated: 2024-01-30. Review status: criteria provided, single submitter. Criteria: Myriad Autosomal Dominant, Autosomal Recessive and X-Linked Classification Criteria (2023). Collection method: clinical testing. Allele origin: unknown.
Comment: NM_032383.3(HPS3):c.2533delA(I845Yfs*6) is expected to be pathogenic in the context of Hermansky-Pudlak syndrome, HPS3-related. This variant is predicted to lead to an abnormal or absent protein product due to the creation of a premature termination codon in HPS3, a gene where loss-of-function variants are known to be pathogenic. Please note: this variant was assessed in the context of healthy population screening.